The following is an entry in ClinVar:

NM_000038.6(APC):c.3841del (p.Ser1281fs)

Gene: APC (APC regulator of Wnt signaling pathway; plus strand). Cytogenetic location: 5q22.2.
Variant type: Deletion.
Coding change: c.3841del on transcript NM_000038.6 (MANE Select); coding-DNA position 3841, one base deleted (T; older notation c.3841delT).
Protein change: p.Ser1281fs; shifts the reading frame from serine 1281.
Molecular consequence: frameshift variant.
Genome position (GRCh38, 1-based): chr5:112,839,435, T deleted. VCF-style (leftmost placement, unchanged base first): chr5-112839434-GT-G. GRCh37 (hg19) VCF-style: chr5-112175131-GT-G.
Other names: c.3841del, p.Ser1281fs (NM_001127510.3, NM_001354895.2); c.3787del, p.Ser1263fs (NM_001127511.3); c.3895del, p.Ser1299fs (NM_001354896.2); c.3871del, p.Ser1291fs (NM_001354897.2); c.3766del, p.Ser1256fs (NM_001354898.2); c.3757del, p.Ser1253fs (NM_001354899.2); c.3718del, p.Ser1240fs (NM_001354900.2); c.3664del, p.Ser1222fs (NM_001354901.2); and 16 more; short protein forms S1121fs, S1155fs, S1180fs, S1190fs, S1222fs, S1240fs, S1253fs, S1256fs.
Identifiers: ClinVar variation 1709838 (VCV001709838.2), dbSNP rs2533528726, ClinGen allele CA2580072288.

ClinVar aggregate classification (germline): Likely pathogenic (1 of 4 stars; one submission).

Conditions:
Familial adenomatous polyposis 1 (FAP1). Also called: POLYPOSIS, ADENOMATOUS INTESTINAL; FAMILIAL ADENOMATOUS POLYPOSIS 1, ATTENUATED. Identifiers: MedGen C2713442, MONDO:0021056, OMIM 175100. Disease mechanism: loss of function.

Submission:

MGZ Medical Genetics Center
Classification: Likely pathogenic for Familial adenomatous polyposis 1. Last evaluated: 2021-12-20. Review status: criteria provided, single submitter. Criteria: ACMG Guidelines, 2015. Collection method: clinical testing. Allele origin: germline. Affected: yes. Observed: 1 variant allele.
Comment: ACMG criteria applied: PVS1_STR, PM1, PM2_SUP, PP4